The following is an entry in ClinVar:

ClinVar aggregate classification (germline): Likely benign (0 of 4 stars; one submission).

Conditions:
SEMA3A-related disorder. Also called: SEMA3A-related condition.

Allele frequency attached by ClinVar (database versions not stated): gnomAD exomes 0.00001; TOPMed 0.00003; ExAC 0.00007.
gnomAD v4.1: 10 of 1,613,924 alleles (0.00062%); highest among the groups gnomAD compares: Admixed American, 0.015%; no homozygotes.

Submission:

PreventionGenetics, part of Exact Sciences
Classification: Likely benign for SEMA3A-related condition. Last evaluated: 2021-12-03. Review status: no assertion criteria provided. Collection method: clinical testing. Allele origin: germline.
Comment: This variant is classified as likely benign based on ACMG/AMP sequence variant interpretation guidelines (Richards et al. 2015 PMID: 25741868, with internal and published modifications).

NM_006080.3(SEMA3A):c.1278T>C (p.Asp426=)

Gene: SEMA3A (semaphorin 3A; minus strand). Cytogenetic location: 7q21.11.
Variant type: single nucleotide variant.
Coding change: c.1278T>C on transcript NM_006080.3 (MANE Select); coding-DNA position 1278, T replaced by C.
Protein change: p.Asp426=; no amino-acid change (aspartic acid 426 retained).
Molecular consequence: synonymous variant.
Genome position (GRCh38, 1-based): chr7:84,005,421, A>G on the plus strand (T>C on the coding strand, the complement: SEMA3A is on the minus strand). VCF-style: chr7-84005421-A-G. GRCh37 (hg19) VCF-style: chr7-83634737-A-G.
Identifiers: ClinVar variation 3052109 (VCV003052109.2), dbSNP rs760813806, ClinGen allele CA4322795.